The following is an entry in ClinVar:

ClinVar aggregate classification (germline): Uncertain significance. Review status: reviewed by expert panel (3 of 4 stars). 2 submissions from 2 submitters: Uncertain significance (1). 1 of the submissions does not count toward it. Last evaluated 2025-01-15.

Conditions:
Hereditary thrombocytopenia and hematologic cancer predisposition syndrome. Identifiers: Orphanet 71290, MedGen CN281654, MONDO:0011071.
Hereditary thrombocytopenia and hematological cancer predisposition syndrome associated with RUNX1. Also called: Familial Platelet Disorder with Propensity to Acute Myelogenous Leukemia; Familial thrombocytopenia with propensity to acute myelogenous leukemia; PLATELET DISORDER, ASPIRIN-LIKE; RUNX1 Familial Platelet Disorder with Associated Myeloid Malignancies. Identifiers: Orphanet 71290, MedGen C1832388, MeSH C563324, MONDO:0100083, OMIM 601399.

Submissions (2):

ClinGen Myeloid Malignancy Variant Curation Expert Panel
Classification: Uncertain significance for Hereditary thrombocytopenia and hematologic cancer predisposition syndrome. Last evaluated: 2025-01-15. Review status: reviewed by expert panel. Criteria: ClinGen MyeloMalig ACMG Specifications v2. Collection method: curation. Allele origin: germline. Inheritance: Autosomal dominant inheritance.
Comment: NM_001754.5(RUNX1):c.1252A>C (p.Met418Leu) is a missense variant which has a REVEL score < 0.50 (0.219), and a SpliceAI score ≤ 0.20 (0.0) (BP4). This variant is completely absent from all population databases with at least 20x coverage for RUNX1 (PM2_Supporting). In summary, the clinical significance of this variant is uncertain. ACMG/AMP criteria applied, as specified by the Myeloid Malignancy Variant Curation Expert Panel for RUNX1: BP4, PM2_supporting.

Labcorp Genetics (formerly Invitae), Labcorp
Classification: Uncertain significance for Hereditary thrombocytopenia and hematological cancer predisposition syndrome associated with RUNX1. Last evaluated: 2023-06-16. Review status: criteria provided, single submitter. Criteria: Invitae Variant Classification Sherloc (09022015). Collection method: clinical testing. Allele origin: germline. Not counted in ClinVar's aggregate classification.
Comment: In summary, the available evidence is currently insufficient to determine the role of this variant in disease. Therefore, it has been classified as a Variant of Uncertain Significance. Advanced modeling of protein sequence and biophysical properties (such as structural, functional, and spatial information, amino acid conservation, physicochemical variation, residue mobility, and thermodynamic stability) performed at Invitae indicates that this missense variant is not expected to disrupt RUNX1 protein function. This variant has not been reported in the literature in individuals affected with RUNX1-related conditions. This variant is not present in population databases (gnomAD no frequency). This sequence change replaces methionine, which is neutral and non-polar, with leucine, which is neutral and non-polar, at codon 418 of the RUNX1 protein (p.Met418Leu).

NM_001754.5(RUNX1):c.1252A>C (p.Met418Leu)

Gene: RUNX1 (RUNX family transcription factor 1; minus strand). Cytogenetic location: 21q22.12.
Variant type: single nucleotide variant.
Coding change: c.1252A>C on transcript NM_001754.5 (MANE Select); coding-DNA position 1252, A replaced by C.
Protein change: p.Met418Leu; replaces methionine 418 with leucine.
Molecular consequence: missense variant.
Genome position (GRCh38, 1-based): chr21:34,792,326, T>G on the plus strand (A>C on the coding strand, the complement: RUNX1 is on the minus strand). VCF-style: chr21-34792326-T-G. GRCh37 (hg19) VCF-style: chr21-36164623-T-G.
Other names: NM_001754.5(RUNX1):c.1252A>C; p.Met418Leu; c.1171A>C, p.Met391Leu (NM_001001890.3); short protein forms M418L, M391L.
Identifiers: ClinVar variation 2718922 (VCV002718922.4), dbSNP rs578042376, ClinGen allele CA410147646.
Genomic context (GRCh38, chr21:34,792,326, plus strand): 5'-CGGTGGAGGCGTTGGTGCAGGGCGGCAGGATGCGCGGCGGCGAGCGCTCGCCGCCCACCA[T>G]GGAGAACTGGTAGGAGCCGGCCGAGGCGCCGTAGTACAGGTGGTAGGAGGGCGAGCTGGC-3'
Protein context (NP_001745.2, residues 408-428): GASAGSYQFS[Met418Leu]VGGERSPPRI